The following is an entry in ClinVar:

NM_013254.4(TBK1):c.1225G>T (p.Asp409Tyr)

Gene: TBK1 (TANK binding kinase 1; plus strand). Cytogenetic location: 12q14.2.
Variant type: single nucleotide variant.
Coding change: c.1225G>T on transcript NM_013254.4 (MANE Select); coding-DNA position 1225, G replaced by T.
Protein change: p.Asp409Tyr; replaces aspartic acid 409 with tyrosine.
Molecular consequence: missense variant.
Genome position (GRCh38, 1-based): chr12:64,485,490, G>T. VCF-style: chr12-64485490-G-T. GRCh37 (hg19) VCF-style: chr12-64879270-G-T.
Other names: short protein forms D409Y.
Identifiers: ClinVar variation 3637637 (VCV003637637.2).

ClinVar aggregate classification (germline): Uncertain significance (1 of 4 stars; one submission).

Conditions:
Frontotemporal dementia and/or amyotrophic lateral sclerosis 4. Also called: FTDALS4. Identifiers: Orphanet 275872, MedGen C4225325, MONDO:0014641, OMIM 616439.

Submission:

Labcorp Genetics (formerly Invitae), Labcorp
Classification: Uncertain significance for Frontotemporal dementia and/or amyotrophic lateral sclerosis 4. Last evaluated: 2024-10-24. Review status: criteria provided, single submitter. Criteria: Invitae Variant Classification Sherloc (09022015). Collection method: clinical testing. Allele origin: germline.
Comment: This sequence change replaces aspartic acid, which is acidic and polar, with tyrosine, which is neutral and polar, at codon 409 of the TBK1 protein (p.Asp409Tyr). This variant is not present in population databases (gnomAD no frequency). This variant has not been reported in the literature in individuals affected with TBK1-related conditions. Invitae Evidence Modeling of protein sequence and biophysical properties (such as structural, functional, and spatial information, amino acid conservation, physicochemical variation, residue mobility, and thermodynamic stability) indicates that this missense variant is not expected to disrupt TBK1 protein function with a negative predictive value of 95%. In summary, the available evidence is currently insufficient to determine the role of this variant in disease. Therefore, it has been classified as a Variant of Uncertain Significance.